The following is an entry in ClinVar:

NM_012062.5(DNM1L):c.496del (p.Ile166fs)

Gene: DNM1L (dynamin 1 like; plus strand). Cytogenetic location: 12p11.21.
Variant type: Deletion.
Coding change: c.496del on transcript NM_012062.5 (MANE Select); coding-DNA position 496, one base deleted (A; older notation c.496delA).
Protein change: p.Ile166fs; shifts the reading frame from isoleucine 166.
Molecular consequence: frameshift variant. On other transcripts: intron variant (1).
Genome position (GRCh38, 1-based): chr12:32,713,248, A deleted; the last of 3 consecutive A bases (chr12:32,713,246-32,713,248); deleting any one gives the same sequence. VCF-style (leftmost placement, unchanged base first): chr12-32713245-CA-C. GRCh37 (hg19) VCF-style: chr12-32866179-CA-C.
Other names: c.496del, p.Ile166fs (NM_001278463.2, NM_005690.5, NM_012063.4); c.535del, p.Ile179fs (NM_001278464.2, NM_001278465.2, NM_001330380.2); c.131+5835del (NM_001278466.2); short protein forms I166fs, I179fs.
Identifiers: ClinVar variation 2767526 (VCV002767526.3), dbSNP rs2541014094, ClinGen allele CA2697559169.

ClinVar aggregate classification (germline): Pathogenic (1 of 4 stars; one submission).

Submission:

Labcorp Genetics (formerly Invitae), Labcorp
Classification: Pathogenic. Last evaluated: 2024-03-22. Review status: criteria provided, single submitter. Criteria: Invitae Variant Classification Sherloc (09022015). Collection method: clinical testing. Allele origin: germline.
Comment: This sequence change creates a premature translational stop signal (p.Ile166Serfs*38) in the DNM1L gene. It is expected to result in an absent or disrupted protein product. Loss-of-function variants in DNM1L are known to be pathogenic (PMID: 26825290, 27328748). This variant is not present in population databases (gnomAD no frequency). This variant has not been reported in the literature in individuals affected with DNM1L-related conditions. For these reasons, this variant has been classified as Pathogenic.

Literature cited by the submitters: PubMed 26825290; PubMed 27328748.